The following is an entry in ClinVar:

ClinVar aggregate classification (germline): Pathogenic (1 of 4 stars; one submission).

Submission:

Labcorp Genetics (formerly Invitae), Labcorp
Classification: Pathogenic. Last evaluated: 2022-09-01. Review status: criteria provided, single submitter. Criteria: Invitae Variant Classification Sherloc (09022015). Collection method: clinical testing. Allele origin: germline.
Comment: For these reasons, this variant has been classified as Pathogenic. ClinVar contains an entry for this variant (Variation ID: 1362760). This variant has not been reported in the literature in individuals affected with ACAN-related conditions. This variant is not present in population databases (gnomAD no frequency). This sequence change creates a premature translational stop signal (p.Gln2328*) in the ACAN gene. It is expected to result in an absent or disrupted protein product. Loss-of-function variants in ACAN are known to be pathogenic (PMID: 16080123, 24762113).

Literature cited by the submitters: PubMed 16080123; PubMed 24762113.

NM_001369268.1(ACAN):c.7096C>T (p.Gln2366Ter)

Gene: ACAN (aggrecan; plus strand). Cytogenetic location: 15q26.1.
Variant type: single nucleotide variant.
Coding change: c.7096C>T on transcript NM_001369268.1 (MANE Select); coding-DNA position 7096, C replaced by T.
Protein change: p.Gln2366Ter; replaces glutamine 2366 with a stop codon.
Molecular consequence: nonsense.
Genome position (GRCh38, 1-based): chr15:88,871,417, C>T. VCF-style: chr15-88871417-C-T. GRCh37 (hg19) VCF-style: chr15-89414648-C-T.
Other names: c.6868C>T, p.Gln2290Ter (NM_001135.4); c.6982C>T, p.Gln2328Ter (NM_013227.4); short protein forms Q2290*, Q2328*, Q2366*.
Identifiers: ClinVar variation 1362760 (VCV001362760.6), dbSNP rs2141638307, ClinGen allele CA393729425.